The following is an entry in ClinVar:

ClinVar aggregate classification (germline): Pathogenic (1 of 4 stars; one submission).

Conditions:
Ellis-van Creveld syndrome (EVC). Also called: MESOECTODERMAL DYSPLASIA; Chondroectodermal dysplasia. Identifiers: Orphanet 289, MedGen C0013903, MONDO:0009162, OMIM 225500.

Submission:

Myriad Genetics, Inc.
Classification: Pathogenic for Ellis-van Creveld syndrome. Last evaluated: 2026-02-08. Review status: criteria provided, single submitter. Criteria: Myriad Autosomal Dominant, Autosomal Recessive and X-Linked Classification Criteria (2023). Collection method: clinical testing. Allele origin: unknown.
Comment: NM_153717.2(EVC):c.2195delT(V732Gfs*40) is expected to be pathogenic in the context of EVC-related Ellis-van Creveld syndrome. This variant is predicted to lead to an abnormal or absent protein product due to the creation of a premature termination codon in EVC, a gene where loss-of-function variants are known to be pathogenic. Please note: this variant was assessed in the context of healthy population screening.

NM_153717.3(EVC):c.2195del (p.Val732fs)

Gene: EVC (EvC ciliary complex subunit 1; plus strand). Cytogenetic location: 4p16.2.
Variant type: Deletion.
Coding change: c.2195del on transcript NM_153717.3 (MANE Select); coding-DNA position 2195, one base deleted (T; older notation c.2195delT).
Protein change: p.Val732fs; shifts the reading frame from valine 732.
Molecular consequence: frameshift variant.
Genome position (GRCh38, 1-based): chr4:5,798,683, T deleted. VCF-style (leftmost placement, unchanged base first): chr4-5798682-GT-G. GRCh37 (hg19) VCF-style: chr4-5800409-GT-G.
Other names: c.2195del, p.Val732fs (NM_001306090.2); short protein forms V732fs.
Identifiers: ClinVar variation 5015526 (VCV005015526.1).